The following is an entry in ClinVar:

NM_001291303.3(FAT4):c.6616T>A (p.Ser2206Thr)

Gene: FAT4 (FAT atypical cadherin 4; plus strand). Cytogenetic location: 4q28.1.
Variant type: single nucleotide variant.
Coding change: c.6616T>A on transcript NM_001291303.3 (MANE Select); coding-DNA position 6616, T replaced by A.
Protein change: p.Ser2206Thr; replaces serine 2206 with threonine.
Molecular consequence: missense variant.
Genome position (GRCh38, 1-based): chr4:125,415,579, T>A. VCF-style: chr4-125415579-T-A. GRCh37 (hg19) VCF-style: chr4-126336734-T-A.
Other names: c.6616T>A, p.Ser2206Thr (NM_001291285.3, NM_024582.6); short protein forms S2206T.
Identifiers: ClinVar variation 2064149 (VCV002064149.1), dbSNP rs199501989, ClinGen allele CA3072951.

ClinVar aggregate classification (germline): Uncertain significance (1 of 4 stars; one submission).

Allele frequency attached by ClinVar (database versions not stated): ExAC 0.00001; gnomAD exomes 0.00001.
gnomAD v4.1: 17 of 1,614,060 alleles (0.0011%); highest among the groups gnomAD compares: Non-Finnish European, 0.0014%; no homozygotes.

Submission:

Labcorp Genetics (formerly Invitae), Labcorp
Classification: Uncertain significance. Last evaluated: 2022-05-28. Review status: criteria provided, single submitter. Criteria: Invitae Variant Classification Sherloc (09022015). Collection method: clinical testing. Allele origin: germline.
Comment: This sequence change replaces serine, which is neutral and polar, with threonine, which is neutral and polar, at codon 2206 of the FAT4 protein (p.Ser2206Thr). This variant is present in population databases (rs199501989, gnomAD 0.002%). This variant has not been reported in the literature in individuals affected with FAT4-related conditions. Advanced modeling of protein sequence and biophysical properties (such as structural, functional, and spatial information, amino acid conservation, physicochemical variation, residue mobility, and thermodynamic stability) performed at Invitae indicates that this missense variant is not expected to disrupt FAT4 protein function. In summary, the available evidence is currently insufficient to determine the role of this variant in disease. Therefore, it has been classified as a Variant of Uncertain Significance.